The following is an entry in ClinVar:

NM_022575.4(VPS16):c.411C>T (p.His137=)

Gene: VPS16 (VPS16 core subunit of CORVET and HOPS complexes; plus strand). Cytogenetic location: 20p13.
Variant type: single nucleotide variant.
Coding change: c.411C>T on transcript NM_022575.4 (MANE Select); coding-DNA position 411, C replaced by T.
Protein change: p.His137=; no amino-acid change (histidine 137 retained).
Molecular consequence: synonymous variant.
Genome position (GRCh38, 1-based): chr20:2,860,490, C>T. VCF-style: chr20-2860490-C-T. GRCh37 (hg19) VCF-style: chr20-2841136-C-T.
Other names: c.411C>T, p.His137= (NM_080413.3).
Identifiers: ClinVar variation 2652158 (VCV002652158.24), dbSNP rs548944905, ClinGen allele CA9737342.
Genomic context (GRCh38, chr20:2,860,490, plus strand): 5'-CATGGCCCCCTTTCCTCAGGAAGTGCTCCAGAACCGGGTTCTGGATGCCCGGATCTTTCA[C>T]ACTGAGTTTGGTTCCGGAGTGGCCATCCTCACAGGGGCCCACCGCTTCACCCTCAGTGCC-3'
Protein context (NP_072097.2, residues 127-147): QNRVLDARIF[His137=]TEFGSGVAIL

ClinVar aggregate classification (germline): Likely benign (1 of 4 stars; one submission).

Allele frequency attached by ClinVar (database versions not stated): gnomAD 0.00001; gnomAD exomes 0.00001; ExAC 0.00002.
gnomAD v4.1: 18 of 1,613,980 alleles (0.0011%); highest among the groups gnomAD compares: Admixed American, 0.005%; no homozygotes.

Submission:

CeGaT Center for Human Genetics Tuebingen
Classification: Likely benign. Last evaluated: 2023-03-01. Review status: criteria provided, single submitter. Criteria: CeGaT Center For Human Genetics Tuebingen Variant Classification Criteria Version 2. Collection method: clinical testing. Allele origin: germline. Affected: yes. Observed: 1 variant allele.
Comment: VPS16: BP4, BP7